The following is an entry in ClinVar:

ClinVar aggregate classification (germline): Pathogenic/Likely pathogenic. Review status: criteria provided, multiple submitters, no conflicts (2 of 4 stars). 6 submissions from 6 submitters: Pathogenic (2); Likely pathogenic (4). Last evaluated 2025-12-16.

Conditions:
IFT140-related disorder. Also called: IFT140-related condition.
Saldino-Mainzer syndrome (SRTD9). Also called: SHORT-RIB THORACIC DYSPLASIA 9 WITHOUT POLYDACTYLY; short-rib thoracic dysplasia 9 with or without polydactyly; CONORENAL SYNDROME; Renal dysplasia, retinal pigmentary dystrophy, cerebellar ataxia and skeletal dysplasia. Identifiers: Orphanet 140969, MedGen C1849437, MONDO:0009964, OMIM 266920.
Retinitis pigmentosa 80 (RP80). Identifiers: MedGen C4540439, MONDO:0054708, OMIM 617781.
IFT140-related disorders.
Autosomal dominant polycystic kidney disease. Identifiers: Orphanet 730, MedGen C0085413, MONDO:0004691.
Renal cyst. Also called: Renal cysts; cystic kidneys; Cystic kidney disease. Identifiers: MedGen C3887499, MONDO:0002473, HP:0000107.

Allele frequency attached by ClinVar (database versions not stated): gnomAD 0.00001; gnomAD exomes 0.00001 and 0.00002; TOPMed 0.00002; ExAC 0.00007; ESP Exome Variant Server 0.00008.
gnomAD v4.1: 31 of 1,594,394 alleles (0.0019%); highest among the groups gnomAD compares: Non-Finnish European, 0.0026%; no homozygotes.

Submissions (6):

PreventionGenetics, part of Exact Sciences
Classification: Pathogenic for IFT140-related condition. Last evaluated: 2025-12-16. Review status: criteria provided, single submitter. Criteria: ACMG Guidelines, 2015. Collection method: clinical testing. Allele origin: germline.
Comment: The IFT140 c.2598C>G variant is predicted to result in premature protein termination (p.Tyr866*). This variant has been reported in three individuals with polycystic kidney disease (Clark et al. 2024. PubMed ID: 39136524). It is reported in 0.0032% of alleles in individuals of European (non-Finnish) descent in gnomAD. Nonsense variants in IFT140 are expected to be pathogenic. This variant is interpreted as pathogenic.

Victorian Clinical Genetics Services, Murdoch Childrens Research Institute
Classification: Pathogenic for Renal cyst. Last evaluated: 2024-12-30. Review status: criteria provided, single submitter. Criteria: ACMG Guidelines, 2015. Collection method: clinical testing. Allele origin: germline. Affected: yes.
Comment: This variant is classified as Pathogenic. Evidence in support of pathogenic classification: Variant is predicted to cause nonsense-mediated decay (NMD) and loss of protein (premature termination codon is located at least 54 nucleotides upstream of the final exon-exon junction); Variant is present in gnomAD <0.01 (v4: 31 heterozygotes, 0 homozygotes); This variant has moderate previous evidence of pathogenicity in unrelated individuals. This variant has been classified as likely pathogenic by clinical laboratories in ClinVar and has been reported in the literature in individuals with ADPKD (PMID: 39136524); Other NMD-predicted variants comparable to the one identified in this case have very strong previous evidence for pathogenicity (DECIPHER). These variants have been reported in families with later onset autosomal dominant polycystic kidney disease (PMID: 34890546) and autosomal recessive IFT140-related conditions (PMIDs: 22503633, 26968735). Additional information: This variant is heterozygous; This gene is associated with both recessive and dominant disease. Retinitis pigmentosa 80 (MIM#617781) and short-rib thoracic dysplasia 9 with or without polydactyly (MIM#266920) are inherited in an autosomal recessive manner, while cystic kidney disease (MONDO:0002473), IFT140-related is inherited in an autosomal dominant manner (OMIM, PMID: 34890546); No published functional evidence has been identified for this variant; Loss of function is a known mechanism of disease in this gene and is associated with retinitis pigmentosa 80 (MIM#617781), short-rib thoracic dysplasia 9 with or without polydactyly (MIM#266920) and cystic kidney disease (MONDO:0002473), IFT140-related (PMID: 34890546); The dominant condition associated with this gene may have incomplete penetrance. Parents of children with short-rib thoracic dysplasia 9 with or without polydactyly, who carry a single pathogenic variant that has also previously been associated with the dominant cystic kidney disease phenotype, have been reported as unaffected (PMID: 34890546). However, these parents weren't specifically assessed for cystic kidney disease. (I) - Inheritance information for this variant is not currently available in this individual.

Blueprint Genetics
Classification: Likely pathogenic for IFT140-related disorders. Last evaluated: 2024-09-18. Review status: criteria provided, single submitter. Criteria: ACMG Guidelines, 2015. Collection method: clinical testing. Allele origin: germline. Affected: yes. Observed: 2 variant alleles.

Fulgent Genetics
Classification: Likely pathogenic for Saldino-Mainzer syndrome; Retinitis pigmentosa 80. Last evaluated: 2024-06-17. Review status: criteria provided, single submitter. Criteria: ACMG Guidelines, 2015. Collection method: clinical testing. Allele origin: germline.

Molecular Genetics, Royal Melbourne Hospital
Classification: Likely pathogenic for Autosomal dominant polycystic kidney disease. Last evaluated: 2024-05-02. Review status: criteria provided, single submitter. Criteria: ACMG Guidelines, 2015. Collection method: clinical testing. Allele origin: germline. Inheritance: Autosomal dominant inheritance. Affected: yes.
Comment: This sequence change in IFT140 is a nonsense variant predicted to cause a premature stop codon, p.(Tyr866*), in biologically relevant exon 21/31 leading to nonsense-mediated decay in a gene in which loss of function is an established disease mechanism (PMID: 34890546, 22282595). The highest population minor allele frequency in the population database gnomAD v4.0 is 0.003% (31/1,170,868 alleles) in the European (non-Finnish) population. To our knowledge, this variant has not been previously reported in the relevant scientific literature. Based on the classification scheme RMH Modified ACMG/AMP Guidelines v1.6.1, this variant is classified as LIKELY PATHOGENIC. Following criteria are met: PVS1, PM2_Supporting.

GeneDx
Classification: Likely pathogenic. Last evaluated: 2024-01-12. Review status: criteria provided, single submitter. Criteria: GeneDx Variant Classification Process June 2021. Collection method: clinical testing. Allele origin: germline. Affected: yes.
Comment: Nonsense variant predicted to result in protein truncation or nonsense mediated decay in a gene for which loss of function is a known mechanism of disease; Not observed at significant frequency in large population cohorts (gnomAD); Has not been previously published as pathogenic or benign to our knowledge

Literature cited by the submitters: PubMed 26968735 (cited by Victorian Clinical Genetics Services, Murdoch Childrens Research Institute); PubMed 39136524 (cited by Victorian Clinical Genetics Services, Murdoch Childrens Research Institute); PubMed 34890546 (cited by Victorian Clinical Genetics Services, Murdoch Childrens Research Institute and Molecular Genetics, Royal Melbourne Hospital); PubMed 22503633 (cited by Victorian Clinical Genetics Services, Murdoch Childrens Research Institute); PubMed 22282595 (cited by Molecular Genetics, Royal Melbourne Hospital).

NM_014714.4(IFT140):c.2598C>G (p.Tyr866Ter)

Gene: IFT140 (intraflagellar transport 140; minus strand). Cytogenetic location: 16p13.3.
Variant type: single nucleotide variant.
Coding change: c.2598C>G on transcript NM_014714.4 (MANE Select); coding-DNA position 2598, C replaced by G.
Protein change: p.Tyr866Ter; replaces tyrosine 866 with a stop codon.
Molecular consequence: nonsense.
Genome position (GRCh38, 1-based): chr16:1,526,057, G>C on the plus strand (C>G on the coding strand, the complement: IFT140 is on the minus strand). VCF-style: chr16-1526057-G-C. GRCh37 (hg19) VCF-style: chr16-1576058-G-C.
Other names: short protein forms Y866*.
Identifiers: ClinVar variation 620369 (VCV000620369.9), dbSNP rs144513458, ClinGen allele CA7813557.